The following is an entry in ClinVar:

ClinVar aggregate classification (germline): Benign. Review status: criteria provided, multiple submitters, no conflicts (2 of 4 stars). 2 submissions from 2 submitters: Benign (2). Last evaluated 2017-04-27.

Conditions:
Joubert syndrome 1 (JBTS1). Also called: Cerebellooculorenal syndrome 1; CEREBELLOPARENCHYMAL DISORDER IV. Identifiers: MedGen C4551568, MONDO:0008944, OMIM 213300.

Allele frequency attached by ClinVar (database versions not stated): 1000 Genomes Project 30x 0.37555; TOPMed 0.40705; gnomAD 0.40078 and 0.39684; gnomAD exomes 0.33219; 1000 Genomes Project 0.36581.

Submissions (2):

Illumina Laboratory Services, Illumina
Classification: Benign for Joubert syndrome 1. Last evaluated: 2017-04-27. Review status: criteria provided, single submitter. Criteria: ICSL Variant Classification Criteria 13 December 2019. Collection method: clinical testing. Allele origin: germline.
Comment: This variant was observed as part of a predisposition screen in an ostensibly healthy population. A literature search was performed for the gene, cDNA change, and amino acid change (where applicable). No publications were found based on this search. Allele frequency data from public databases was too high to be consistent with this variant causing disease. Therefore, this variant is classified as benign.

Breakthrough Genomics
Classification: Benign. Review status: criteria provided, single submitter. Criteria: ACMG Guidelines, 2015. Collection method: not provided. Allele origin: germline. Inheritance: Autosomal recessive inheritance. Affected: yes.

NM_019892.6(INPP5E):c.*816A>G

Gene: INPP5E (inositol polyphosphate-5-phosphatase E; minus strand). Cytogenetic location: 9q34.3.
Variant type: single nucleotide variant.
Coding change: c.*816A>G on transcript NM_019892.6 (MANE Select); 816 bases downstream of the stop codon, A replaced by G.
Molecular consequence: 3 prime UTR variant.
Genome position (GRCh38, 1-based): chr9:136,428,859, T>C on the plus strand (A>G on the coding strand, the complement: INPP5E is on the minus strand). VCF-style: chr9-136428859-T-C. GRCh37 (hg19) VCF-style: chr9-139323311-T-C.
Other names: c.*816A>G (NM_001318502.2).
Identifiers: ClinVar variation 365868 (VCV000365868.6), dbSNP rs8413, ClinGen allele CA10629589.